The following is an entry in ClinVar:

ClinVar aggregate classification (germline): Uncertain significance. Review status: criteria provided, multiple submitters, no conflicts (2 of 4 stars). 3 submissions from 3 submitters: Uncertain significance (3). Last evaluated 2025-10-13.

Conditions:
BBS1-related disorder. Also called: BBS1-related condition.
Bardet-Biedl syndrome (BBS). Identifiers: Orphanet 110, MedGen C0752166, MONDO:0015229.
Bardet-Biedl syndrome 1 (BBS1). Identifiers: MedGen C2936862, MONDO:0008854, OMIM 209900. Disease mechanism: loss of function.

Allele frequency attached by ClinVar (database versions not stated): gnomAD exomes below 0.00001; ExAC 0.00001; gnomAD 0.00002; TOPMed 0.00003.
gnomAD v4.1: 8 of 1,614,094 alleles (0.0005%); highest among the groups gnomAD compares: South Asian, 0.0044%; no homozygotes.

Submissions (3):

PreventionGenetics, part of Exact Sciences
Classification: Uncertain significance for BBS1-related condition. Last evaluated: 2025-10-13. Review status: criteria provided, single submitter. Criteria: ACMG Guidelines, 2015. Collection method: clinical testing. Allele origin: germline.
Comment: The BBS1 c.43G>A variant is predicted to result in the amino acid substitution p.Glu15Lys. To our knowledge, this variant has not been reported in the literature. This variant is reported in 0.0040% of alleles in individuals of African descent in gnomAD. At this time, the clinical significance of this variant is uncertain due to the absence of conclusive functional and genetic evidence.

Labcorp Genetics (formerly Invitae), Labcorp
Classification: Uncertain significance for Bardet-Biedl syndrome. Last evaluated: 2022-08-15. Review status: criteria provided, single submitter. Criteria: Invitae Variant Classification Sherloc (09022015). Collection method: clinical testing. Allele origin: germline.
Comment: This sequence change replaces glutamic acid, which is acidic and polar, with lysine, which is basic and polar, at codon 15 of the BBS1 protein (p.Glu15Lys). This variant is present in population databases (rs761601575, gnomAD 0.004%). This variant has not been reported in the literature in individuals affected with BBS1-related conditions. ClinVar contains an entry for this variant (Variation ID: 1445800). Algorithms developed to predict the effect of missense changes on protein structure and function are either unavailable or do not agree on the potential impact of this missense change (SIFT: "Tolerated"; PolyPhen-2: "Probably Damaging"; Align-GVGD: "Class C0"). In summary, the available evidence is currently insufficient to determine the role of this variant in disease. Therefore, it has been classified as a Variant of Uncertain Significance.

Fulgent Genetics
Classification: Uncertain significance for Bardet-Biedl syndrome 1. Last evaluated: 2021-08-10. Review status: criteria provided, single submitter. Criteria: ACMG Guidelines, 2015. Collection method: clinical testing. Allele origin: unknown.

NM_024649.5(BBS1):c.43G>A (p.Glu15Lys)

Gene: BBS1 (Bardet-Biedl syndrome 1; plus strand). Cytogenetic location: 11q13.2.
Variant type: single nucleotide variant.
Coding change: c.43G>A on transcript NM_024649.5 (MANE Select); coding-DNA position 43, G replaced by A.
Protein change: p.Glu15Lys; replaces glutamic acid 15 with lysine.
Molecular consequence: missense variant.
Genome position (GRCh38, 1-based): chr11:66,510,702, G>A. VCF-style: chr11-66510702-G-A. GRCh37 (hg19) VCF-style: chr11-66278173-G-A.
Other names: c.43G>A (NM_024649.4); short protein forms E15K.
Identifiers: ClinVar variation 1445800 (VCV001445800.7), dbSNP rs761601575, ClinGen allele CA6123191.